The following is an entry in ClinVar:

NM_000232.5(SGCB):c.152G>A (p.Arg51His)

Gene: SGCB (sarcoglycan beta; minus strand). Cytogenetic location: 4q12.
Variant type: single nucleotide variant.
Coding change: c.152G>A on transcript NM_000232.5 (MANE Select); coding-DNA position 152, G replaced by A.
Protein change: p.Arg51His; replaces arginine 51 with histidine.
Molecular consequence: missense variant.
Genome position (GRCh38, 1-based): chr4:52,033,522, C>T on the plus strand (G>A on the coding strand, the complement: SGCB is on the minus strand). VCF-style: chr4-52033522-C-T. GRCh37 (hg19) VCF-style: chr4-52899688-C-T.
Other names: short protein forms R51H.
Identifiers: ClinVar variation 811435 (VCV000811435.9), dbSNP rs143751283, ClinGen allele CA2918496.
Genomic context (GRCh38, chr4:52,033,522, plus strand): 5'-AGGATAATCACACAGATGGCTAAATTGCCCTTTCTTCCTCTCAACCCTGTTTTGTGGAGA[C>T]GATCTTCATCAATCGGAATGTATCCAGCTTTAAAGTTACTGTTGTGCTCTTTATTGACAC-3'
Protein context (NP_000223.1, residues 41-61): KAGYIPIDED[Arg51His]LHKTGLRGRK

ClinVar aggregate classification (germline): Uncertain significance. Review status: criteria provided, single submitter (1 of 4 stars). 2 submissions from 2 submitters: Uncertain significance (1). 1 of the submissions does not count toward it. Last evaluated 2019-06-02.

Conditions:
Autosomal recessive limb-girdle muscular dystrophy type 2E (LGMDR4). Also called: MUSCULAR DYSTROPHY, LIMB-GIRDLE, AUTOSOMAL RECESSIVE 4. Identifiers: Orphanet 119, MedGen C1858593, MONDO:0011423, OMIM 604286. Disease mechanism: Affects gamma-sarcoglycan and also disrupts the integrity of the entire sarcoglycan complex..

Allele frequency attached by ClinVar (database versions not stated): ExAC 0.00002; gnomAD exomes 0.00002; gnomAD 0.00007 and 0.00008; ESP Exome Variant Server 0.00008; TOPMed 0.00010.
gnomAD v4.1: 27 of 1,613,604 alleles (0.0017%); highest among the groups gnomAD compares: African/African-American, 0.029%; no homozygotes.

Submissions (2):

ARUP Laboratories, Molecular Genetics and Genomics, ARUP Laboratories
Classification: Uncertain significance for Autosomal recessive limb-girdle muscular dystrophy type 2E. Last evaluated: 2019-06-02. Review status: criteria provided, single submitter. Criteria: ARUP Molecular Germline Variant Investigation Process. Collection method: clinical testing. Allele origin: germline.
Comment: The SGCB c.152G>A; p.Arg51His variant (rs143751283), to our knowledge, is not reported in the medical literature or gene-specific databases. This variant is found on only eight chromosomes (8/277198 alleles) in the Genome Aggregation Database. The arginine at codon 51 is highly conserved, but computational analyses (SIFT: tolerated, PolyPhen-2: damaging) predict conflicting effects of this variant on protein structure/function. However, due to limited information, the clinical significance of the p.Arg51His variant is uncertain at this time.

Natera, Inc.
Classification: Uncertain significance for Limb-girdle muscular dystrophy type 2E. Last evaluated: 2020-03-10. Review status: no assertion criteria provided. Collection method: clinical testing. Allele origin: germline. Not counted in ClinVar's aggregate classification.